The following is an entry in ClinVar:

NM_032119.4(ADGRV1):c.15126_15128del (p.Tyr5042_Gln5043delinsTer)

Gene: ADGRV1 (adhesion G protein-coupled receptor V1; plus strand). Cytogenetic location: 5q14.3.
Variant type: Deletion.
Coding change: c.15126_15128del on transcript NM_032119.4 (MANE Select); coding-DNA positions 15126 to 15128, 3 bases deleted (TCA; older notation c.15126_15128delTCA).
Protein change: p.Tyr5042_Gln5043delinsTer.
Molecular consequence: nonsense. On other transcripts: non-coding transcript variant (1).
Genome position (GRCh38, 1-based): chr5:90,810,386-90,810,388, TCA deleted; deleting any 3 consecutive bases within chr5:90,810,385-90,810,388 gives the same sequence; the c. name uses the placement nearest the transcript's 3' end. VCF-style (leftmost placement, unchanged base first): chr5-90810384-TATC-T. GRCh37 (hg19) VCF-style: chr5-90106201-TATC-T.
Identifiers: ClinVar variation 1076304 (VCV001076304.9), dbSNP rs2150226544, ClinGen allele CA2499218003.

ClinVar aggregate classification (germline): Pathogenic (1 of 4 stars; one submission).

Submission:

Labcorp Genetics (formerly Invitae), Labcorp
Classification: Pathogenic. Last evaluated: 2024-09-11. Review status: criteria provided, single submitter. Criteria: Invitae Variant Classification Sherloc (09022015). Collection method: clinical testing. Allele origin: germline.
Comment: This sequence change creates a premature translational stop signal (p.Tyr5042*) in the ADGRV1 gene. It is expected to result in an absent or disrupted protein product. Loss-of-function variants in ADGRV1 are known to be pathogenic (PMID: 19357117, 22135276, 22147658, 26226137, 30718709, 31047384, 32467589). This variant is not present in population databases (gnomAD no frequency). This premature translational stop signal has been observed in individual(s) with retinitis pigmentosa (internal data). ClinVar contains an entry for this variant (Variation ID: 1076304). For these reasons, this variant has been classified as Pathogenic.

Literature cited by the submitters: PubMed 19357117; PubMed 22135276; PubMed 22147658; PubMed 26226137; PubMed 30718709; PubMed 31047384; PubMed 32467589.